The following is an entry in ClinVar:

ClinVar aggregate classification (germline): Benign/Likely benign. Review status: criteria provided, multiple submitters, no conflicts (2 of 4 stars). 4 submissions from 4 submitters: Benign (2); Likely benign (2). Last evaluated 2026-01-26.

Conditions:
Surfactant metabolism dysfunction, pulmonary, 4 (SMDP4). Also called: CSF2RA DEFICIENCY; PAP DUE TO CSF2RA DEFICIENCY; PULMONARY ALVEOLAR PROTEINOSIS, CONGENITAL, 4. Identifiers: Orphanet 264675, MedGen C2677877, MONDO:0010424, OMIM 300770.

Allele frequency attached by ClinVar (database versions not stated): gnomAD 0.01010; ESP Exome Variant Server 0.01131; TOPMed 0.01190; 1000 Genomes Project 0.01642; 1000 Genomes Project 30x 0.01769.
gnomAD v4.1: 3,224 of 1,613,948 alleles (0.2%); highest among the groups gnomAD compares: African/African-American, 3.7%; 67 homozygotes.

Submissions (11):

Labcorp Genetics (formerly Invitae), Labcorp
Classification: Benign for Surfactant metabolism dysfunction, pulmonary, 4. Last evaluated: 2026-01-26. Review status: criteria provided, single submitter. Criteria: Invitae Variant Classification Sherloc (09022015). Collection method: clinical testing. Allele origin: germline.

GeneDx
Classification: Likely benign. Last evaluated: 2021-10-13. Review status: criteria provided, single submitter. Criteria: GeneDx Variant Classification Process June 2021. Collection method: clinical testing. Allele origin: germline. Affected: yes.

Laboratory for Molecular Medicine, Mass General Brigham Personalized Medicine
Classification: Benign. Last evaluated: 2013-02-21. Review status: criteria provided, single submitter. Criteria: LMM Criteria. Collection method: clinical testing. Allele origin: germline. Observed: 1 variant allele.
Comment: Ser75Gly in exon 6 of CSF2RA: This variant is not expected to have clinical sign ificance because it has been identified in 3.3% (147/4406) of African American c hromosomes from a broad population by the NHLBI Exome Sequencing Project (dbSNP rs149059494).

Breakthrough Genomics
Classification: Likely benign. Review status: criteria provided, single submitter. Criteria: ACMG Guidelines, 2015. Collection method: not provided. Allele origin: germline. Inheritance: Unknown mechanism. Affected: yes.

Dr. Peter K. Rogan Lab, Western University
No classification provided (evidence only). Condition: Lung cancer. Review status: no classification provided. Collection method: in vitro. Allele origin: not applicable. Functional consequence: retained intron. Not counted in ClinVar's aggregate classification.

Dr. Peter K. Rogan Lab, Western University
No classification provided (evidence only). Condition: Acute myeloid leukemia. Review status: no classification provided. Collection method: in vitro. Allele origin: not applicable. Functional consequence: skipped exon. Not counted in ClinVar's aggregate classification.

Dr. Peter K. Rogan Lab, Western University
No classification provided (evidence only). Condition: Acute myeloid leukemia. Review status: no classification provided. Collection method: in vitro. Allele origin: not applicable. Functional consequence: skipped exon. Not counted in ClinVar's aggregate classification.

Dr. Peter K. Rogan Lab, Western University
No classification provided (evidence only). Condition: Uterine corpus endometrial carcinoma. Review status: no classification provided. Collection method: in vitro. Allele origin: not applicable. Functional consequence: retained intron. Not counted in ClinVar's aggregate classification.

Dr. Peter K. Rogan Lab, Western University
No classification provided (evidence only). Condition: Hepatocellular carcinoma. Review status: no classification provided. Collection method: in vitro. Allele origin: not applicable. Functional consequence: retained intron. Not counted in ClinVar's aggregate classification.

Dr. Peter K. Rogan Lab, Western University
No classification provided (evidence only). Condition: Thymoma. Review status: no classification provided. Collection method: in vitro. Allele origin: not applicable. Functional consequence: retained intron. Not counted in ClinVar's aggregate classification.

Dr. Peter K. Rogan Lab, Western University
No classification provided (evidence only). Condition: Thymoma. Review status: no classification provided. Collection method: in vitro. Allele origin: not applicable. Functional consequence: retained intron. Not counted in ClinVar's aggregate classification.

NM_172245.4(CSF2RA):c.223A>G (p.Ser75Gly)

Gene: CSF2RA (colony stimulating factor 2 receptor subunit alpha; plus strand). Cytogenetic location: Xp22.33.
Variant type: single nucleotide variant.
Coding change: c.223A>G on transcript NM_172245.4 (MANE Select); coding-DNA position 223, A replaced by G.
Protein change: p.Ser75Gly; replaces serine 75 with glycine.
Molecular consequence: missense variant. On other transcripts: 5 prime UTR variant (1), non-coding transcript variant (1).
Genome position (GRCh38, 1-based): chrX:1,288,522, A>G. VCF-style: chrX-1288522-A-G. GRCh37 (hg19) VCF-style: chrX-1407415-A-G.
Other names: c.223A>G, p.Ser75Gly (NM_001161529.2, NM_001161530.2, NM_001161531.2 and 20 more transcripts); c.-177A>G (NM_001161532.2); short protein forms S75G.
Identifiers: ClinVar variation 469625 (VCV000469625.21), dbSNP rs149059494, ClinGen allele CA10330729.